The following is an entry in ClinVar:

ClinVar aggregate classification (germline): Uncertain significance (1 of 4 stars; one submission).

Submission:

Labcorp Genetics (formerly Invitae), Labcorp
Classification: Uncertain significance. Last evaluated: 2023-12-12. Review status: criteria provided, single submitter. Criteria: Invitae Variant Classification Sherloc (09022015). Collection method: clinical testing. Allele origin: germline.
Comment: This sequence change replaces leucine, which is neutral and non-polar, with valine, which is neutral and non-polar, at codon 2763 of the SRCAP protein (p.Leu2763Val). This variant is not present in population databases (gnomAD no frequency). This variant has not been reported in the literature in individuals affected with SRCAP-related conditions. Advanced modeling of protein sequence and biophysical properties (such as structural, functional, and spatial information, amino acid conservation, physicochemical variation, residue mobility, and thermodynamic stability) performed at Invitae indicates that this missense variant is not expected to disrupt SRCAP protein function with a negative predictive value of 80%. In summary, the available evidence is currently insufficient to determine the role of this variant in disease. Therefore, it has been classified as a Variant of Uncertain Significance.

NM_006662.3(SRCAP):c.8287C>G (p.Leu2763Val)

Gene: SRCAP (Snf2 related CREBBP activator protein; plus strand). Cytogenetic location: 16p11.2.
Variant type: single nucleotide variant.
Coding change: c.8287C>G on transcript NM_006662.3 (MANE Select); coding-DNA position 8287, C replaced by G.
Protein change: p.Leu2763Val; replaces leucine 2763 with valine.
Molecular consequence: missense variant.
Genome position (GRCh38, 1-based): chr16:30,738,327, C>G. VCF-style: chr16-30738327-C-G. GRCh37 (hg19) VCF-style: chr16-30749648-C-G.
Other names: short protein forms L2763V.
Identifiers: ClinVar variation 3013519 (VCV003013519.3), dbSNP rs1567254267, ClinGen allele CA395636969.